The following is an entry in ClinVar:

ClinVar aggregate classification (germline): Pathogenic (1 of 4 stars; one submission).

Conditions:
Methylcobalamin deficiency type cblE (HMAE). Also called: HOMOCYSTINURIA-MEGALOBLASTIC ANEMIA, cblE COMPLEMENTATION TYPE; HOMOCYSTINURIA-MEGALOBLASTIC ANEMIA, cblE TYPE; VITAMIN B12-RESPONSIVE HOMOCYSTINURIA, cblE TYPE. Identifiers: Orphanet 2169, Orphanet 622, MedGen C1856057, MONDO:0009354, OMIM 236270.

Submission:

Labcorp Genetics (formerly Invitae), Labcorp
Classification: Pathogenic for Methylcobalamin deficiency type cblE. Last evaluated: 2022-01-26. Review status: criteria provided, single submitter. Criteria: Invitae Variant Classification Sherloc (09022015). Collection method: clinical testing. Allele origin: germline.
Comment: For these reasons, this variant has been classified as Pathogenic. This variant has not been reported in the literature in individuals affected with MTRR-related conditions. This variant is not present in population databases (gnomAD no frequency). This sequence change creates a premature translational stop signal (p.Thr481Asnfs*30) in the MTRR gene. It is expected to result in an absent or disrupted protein product. Loss-of-function variants in MTRR are known to be pathogenic (PMID: 15714522).

Literature cited by the submitters: PubMed 15714522.

NM_002454.3(MTRR):c.1441dup (p.Thr481fs)

Gene: MTRR (5-methyltetrahydrofolate-homocysteine methyltransferase reductase; plus strand). Cytogenetic location: 5p15.31.
Variant type: Duplication.
Coding change: c.1441dup on transcript NM_002454.3 (MANE Select); coding-DNA position 1441, one base duplicated (A; older notation c.1441dupA).
Protein change: p.Thr481fs; shifts the reading frame from threonine 481.
Molecular consequence: frameshift variant. On other transcripts: non-coding transcript variant (14).
Genome position (GRCh38, 1-based): chr5:7,892,797, A duplicated; the last of 2 consecutive A bases (chr5:7,892,796-7,892,797); duplicating either gives the same sequence. VCF-style (leftmost placement, unchanged base first): chr5-7892795-C-CA. GRCh37 (hg19) VCF-style: chr5-7892908-C-CA.
Other names: c.1441dup, p.Thr481fs (NM_001364440.2, NM_001364441.2, NM_001364442.2 and 1 more transcripts); short protein forms T481fs.
Identifiers: ClinVar variation 2089994 (VCV002089994.4), dbSNP rs2479101644, ClinGen allele CA2580073443.
Genomic context (GRCh38, chr5:7,892,795, plus strand): 5'-TATTTCACCCAGGAAAGCTCCATTTTGTCTTCAACATTGTGGAATTTCTGTCTACTGCCA[C>CA]AACAGAGGTTCTGCGGAAGGGAGTATGTACAGGCTGGCTGGCCTTGTTGGTTGCTTCAGT-3'